The following is an entry in ClinVar:

NM_001379500.1(COL18A1):c.1151C>T (p.Thr384Ile)

Gene: COL18A1 (collagen type XVIII alpha 1 chain; plus strand). Cytogenetic location: 21q22.3.
Variant type: single nucleotide variant.
Coding change: c.1151C>T on transcript NM_001379500.1 (MANE Select); coding-DNA position 1151, C replaced by T.
Protein change: p.Thr384Ile; replaces threonine 384 with isoleucine.
Molecular consequence: missense variant.
Genome position (GRCh38, 1-based): chr21:45,477,895, C>T. VCF-style: chr21-45477895-C-T. GRCh37 (hg19) VCF-style: chr21-46897809-C-T.
Other names: c.1691C>T, p.Thr564Ile (NM_030582.4); c.2396C>T, p.Thr799Ile (NM_130444.3); short protein forms T384I, T564I, T799I.
Identifiers: ClinVar variation 2194610 (VCV002194610.3), dbSNP rs918305461, ClinGen allele CA410515581.

ClinVar aggregate classification (germline): Uncertain significance (1 of 4 stars; one submission).

gnomAD v4.1: 1 of 1,564,434 alleles (0.000064%); highest among the groups gnomAD compares: Non-Finnish European, 0.000087%; no homozygotes.

Submission:

Labcorp Genetics (formerly Invitae), Labcorp
Classification: Uncertain significance. Last evaluated: 2024-02-16. Review status: criteria provided, single submitter. Criteria: Invitae Variant Classification Sherloc (09022015). Collection method: clinical testing. Allele origin: germline.
Comment: This sequence change replaces threonine, which is neutral and polar, with isoleucine, which is neutral and non-polar, at codon 384 of the COL18A1 protein (p.Thr384Ile). This variant is not present in population databases (gnomAD no frequency). This variant has not been reported in the literature in individuals affected with COL18A1-related conditions. ClinVar contains an entry for this variant (Variation ID: 2194610). Experimental studies and prediction algorithms are not available or were not evaluated, and the functional significance of this variant is currently unknown. In summary, the available evidence is currently insufficient to determine the role of this variant in disease. Therefore, it has been classified as a Variant of Uncertain Significance.